The following is an entry in ClinVar:

NM_020433.5(JPH2):c.1847G>A (p.Arg616His)

Gene: JPH2 (junctophilin 2; minus strand). Cytogenetic location: 20q13.12.
Variant type: single nucleotide variant.
Coding change: c.1847G>A on transcript NM_020433.5 (MANE Select); coding-DNA position 1847, G replaced by A.
Protein change: p.Arg616His; replaces arginine 616 with histidine.
Molecular consequence: missense variant.
Genome position (GRCh38, 1-based): chr20:44,115,828, C>T on the plus strand (G>A on the coding strand, the complement: JPH2 is on the minus strand). VCF-style: chr20-44115828-C-T. GRCh37 (hg19) VCF-style: chr20-42744468-C-T.
Other names: short protein forms R616H.
Identifiers: ClinVar variation 4721786 (VCV004721786.1).

ClinVar aggregate classification (germline): Uncertain significance (1 of 4 stars; one submission).

Conditions:
Hypertrophic cardiomyopathy. Also called: HYPERTROPHIC MYOCARDIOPATHY. Identifiers: Orphanet 217569, MedGen C0007194, MeSH D002312, MONDO:0005045, HP:0001639.

Submission:

Labcorp Genetics (formerly Invitae), Labcorp
Classification: Uncertain significance for Hypertrophic cardiomyopathy. Last evaluated: 2025-07-02. Review status: criteria provided, single submitter. Criteria: Invitae Variant Classification Sherloc (09022015). Collection method: clinical testing. Allele origin: germline.
Comment: This sequence change replaces arginine, which is basic and polar, with histidine, which is basic and polar, at codon 616 of the JPH2 protein (p.Arg616His). This variant is not present in population databases (gnomAD no frequency). This variant has not been reported in the literature in individuals affected with JPH2-related conditions. An algorithm developed to predict the effect of missense changes on protein structure and function (PolyPhen-2) suggests that this variant is likely to be tolerated. In summary, the available evidence is currently insufficient to determine the role of this variant in disease. Therefore, it has been classified as a Variant of Uncertain Significance.